The following is an entry in ClinVar:

ClinVar aggregate classification (germline): Pathogenic. Review status: reviewed by expert panel (3 of 4 stars). 4 submissions from 4 submitters: Pathogenic (1). 3 of the submissions do not count toward it. Last evaluated 2016-10-18.

Conditions:
Hereditary cancer-predisposing syndrome. Also called: Hereditary Cancer Syndrome; Neoplastic Syndromes, Hereditary; Hereditary neoplastic syndrome; Tumor predisposition. Identifiers: Orphanet 140162, MedGen C0027672, MeSH D009386, MONDO:0015356.
Hereditary breast ovarian cancer syndrome. Also called: Hereditary breast and ovarian cancer syndrome (HBOC); Breast and ovarian cancer; Hereditary breast and ovarian cancer syndrome; Hereditary breast and ovarian cancer; BRCA1- and BRCA2-Associated Hereditary Breast and Ovarian Cancer; Hereditary breast and/or ovarian cancer syndrome. Identifiers: Orphanet 145, MedGen C0677776, MeSH D061325, MONDO:0003582. Disease mechanism: loss of function.
Breast-ovarian cancer, familial, susceptibility to, 1 (BROVCA1). Also called: BRCA1 Hereditary Breast and Ovarian Cancer; OVARIAN CANCER, SUSCEPTIBILITY TO. Identifiers: Orphanet 145, MedGen C2676676, MONDO:0011450, OMIM 604370. Disease mechanism: loss of function.

Submissions (4):

Evidence-based Network for the Interpretation of Germline Mutant Alleles (ENIGMA)
Classification: Pathogenic for Breast-ovarian cancer, familial, susceptibility to, 1. Last evaluated: 2016-10-18. Review status: reviewed by expert panel. Criteria: ENIGMA BRCA1/2 Classification Criteria (2015). Collection method: curation. Allele origin: germline.
Comment: Variant allele predicted to encode a truncated non-functional protein.

Labcorp Genetics (formerly Invitae), Labcorp
Classification: Pathogenic for Hereditary breast ovarian cancer syndrome. Last evaluated: 2025-02-15. Review status: criteria provided, single submitter. Criteria: Invitae Variant Classification Sherloc (09022015). Collection method: clinical testing. Allele origin: germline. Not counted in ClinVar's aggregate classification.
Comment: This sequence change creates a premature translational stop signal (p.Gln1323Argfs*12) in the BRCA1 gene. It is expected to result in an absent or disrupted protein product. Loss-of-function variants in BRCA1 are known to be pathogenic (PMID: 20104584). This variant is not present in population databases (gnomAD no frequency). This premature translational stop signal has been observed in individual(s) with a personal and/or family history of breast and/or ovarian cancer (PMID: 22762150, 29088781, 30702160). ClinVar contains an entry for this variant (Variation ID: 266423). For these reasons, this variant has been classified as Pathogenic.

Ambry Genetics
Classification: Pathogenic for Hereditary cancer-predisposing syndrome. Last evaluated: 2017-04-05. Review status: criteria provided, single submitter. Criteria: Ambry Variant Classification Scheme 2023. Collection method: clinical testing. Allele origin: germline. Not counted in ClinVar's aggregate classification.
Comment: The c.3968_3971delAAAT pathogenic mutation, located in coding exon 9 of the BRCA1 gene, results from a deletion of 4 nucleotides at nucleotide positions 3968 to 3971, causing a translational frameshift with a predicted alternate stop codon (p.Q1323Rfs*12). This mutation has been reported in one French high-risk breast and/or ovarian cancer family (Lecarpentier J et al. Breast Cancer Res., 2012 Jul;14:R99). This alteration is expected to result in loss of function by premature protein truncation or nonsense-mediated mRNA decay. As such, this alteration is interpreted as a disease-causing mutation.

Consortium of Investigators of Modifiers of BRCA1/2 (CIMBA), c/o University of Cambridge
Classification: Pathogenic for Breast-ovarian cancer, familial, susceptibility to, 1. Last evaluated: 2015-10-02. Review status: criteria provided, single submitter. Criteria: CIMBA Mutation Classification guidelines May 2016. Collection method: clinical testing. Allele origin: germline. Not counted in ClinVar's aggregate classification.

Literature cited by the submitters: PubMed 20104584 (cited by Labcorp Genetics (formerly Invitae), Labcorp); PubMed 22762150 (cited by Labcorp Genetics (formerly Invitae), Labcorp and Ambry Genetics); PubMed 29088781 (cited by Labcorp Genetics (formerly Invitae), Labcorp); PubMed 30702160 (cited by Labcorp Genetics (formerly Invitae), Labcorp).

NM_007294.4(BRCA1):c.3968_3971del (p.Gln1323fs)

Genes: BRCA1 (BRCA1 DNA repair associated; minus strand), LOC126862571 (BRD4-independent group 4 enhancer GRCh37_chr17:41243136-41244335; plus strand). Cytogenetic location: 17q21.31.
Variant type: Deletion.
Coding change: c.3968_3971del on transcript NM_007294.4 (MANE Select); coding-DNA positions 3968 to 3971, 4 bases deleted (AAAT; older notation c.3968_3971delAAAT).
Protein change: p.Gln1323fs; shifts the reading frame from glutamine 1323.
Molecular consequence: frameshift variant. On other transcripts: intron variant (135).
Genome position (GRCh38, 1-based): chr17:43,091,560-43,091,563, ATTT deleted on the plus strand (AAAT on the coding strand, the reverse complement: BRCA1 is on the minus strand). VCF-style (leftmost placement, unchanged base first): chr17-43091559-CATTT-C. GRCh37 (hg19) VCF-style: chr17-41243576-CATTT-C.
Other names: 4087delAAAT; c.647-531_647-528del (NM_001408469.1, NM_001408453.1, NM_001408461.1 and 11 more transcripts); c.785-531_785-528del (NM_001408397.1, NM_001408401.1, NM_001408396.1 and 13 more transcripts); c.665-531_665-528del (NM_001408436.1, NM_001408444.1, NM_001408438.1 and 12 more transcripts); c.788-531_788-528del (NM_001407980.1, NM_001407993.1, NM_001407976.1 and 17 more transcripts); c.653-531_653-528del (NM_001408451.1); c.644-531_644-528del (NM_001408464.1, NM_001408468.1, NM_001408465.1 and 3 more transcripts); c.524-531_524-528del (NM_001408498.1, NM_001408501.1, NM_001408500.1 and 3 more transcripts); and 42 more; short protein forms Q1276fs, Q1323fs, Q1027fs, Q1155fs, Q1195fs, Q1256fs, Q1297fs, Q1320fs.
Identifiers: ClinVar variation 266423 (VCV000266423.17), dbSNP rs886040181, ClinGen allele CA10589708.